The following is an entry in ClinVar:

NM_001458.5(FLNC):c.7421G>T (p.Gly2474Val)

Genes: FLNC (filamin C; plus strand), FLNC-AS1 (FLNC antisense RNA 1; minus strand). Cytogenetic location: 7q32.1.
Variant type: single nucleotide variant.
Coding change: c.7421G>T on transcript NM_001458.5 (MANE Select); coding-DNA position 7421, G replaced by T.
Protein change: p.Gly2474Val; replaces glycine 2474 with valine.
Molecular consequence: missense variant.
Genome position (GRCh38, 1-based): chr7:128,856,781, G>T. VCF-style: chr7-128856781-G-T. GRCh37 (hg19) VCF-style: chr7-128496835-G-T.
Other names: c.7322G>T, p.Gly2441Val (NM_001127487.2); short protein forms G2441V, G2474V.
Identifiers: ClinVar variation 2951338 (VCV002951338.4), dbSNP rs2536670248, ClinGen allele CA369217311.

ClinVar aggregate classification (germline): Uncertain significance. Review status: criteria provided, multiple submitters, no conflicts (2 of 4 stars). 2 submissions from 2 submitters: Uncertain significance (2). Last evaluated 2023-08-27.

Conditions:
Myofibrillar myopathy 5. Also called: Filaminopathy (type); FILAMINOPATHY, AUTOSOMAL DOMINANT. Identifiers: Orphanet 171445, MedGen C1836050, MONDO:0012289, OMIM 609524.
Hypertrophic cardiomyopathy 26. Also called: Cardiomyopathy, familial hypertrophic, 26. Identifiers: Orphanet 75249, MedGen C4310749, MONDO:0014883, OMIM 617047.
Distal myopathy with posterior leg and anterior hand involvement. Also called: WILLIAMS DISTAL MYOPATHY. Identifiers: Orphanet 63273, MedGen C3279722, MONDO:0013550, OMIM 614065.

Submissions (2):

Labcorp Genetics (formerly Invitae), Labcorp
Classification: Uncertain significance for Distal myopathy with posterior leg and anterior hand involvement; Myofibrillar myopathy 5; Hypertrophic cardiomyopathy 26. Last evaluated: 2023-08-27. Review status: criteria provided, single submitter. Criteria: Invitae Variant Classification Sherloc (09022015). Collection method: clinical testing. Allele origin: germline.
Comment: This variant is not present in population databases (gnomAD no frequency). This variant has not been reported in the literature in individuals affected with FLNC-related conditions. Advanced modeling of protein sequence and biophysical properties (such as structural, functional, and spatial information, amino acid conservation, physicochemical variation, residue mobility, and thermodynamic stability) has been performed at Invitae for this missense variant, however the output from this modeling did not meet the statistical confidence thresholds required to predict the impact of this variant on FLNC protein function. In summary, the available evidence is currently insufficient to determine the role of this variant in disease. Therefore, it has been classified as a Variant of Uncertain Significance. This sequence change replaces glycine, which is neutral and non-polar, with valine, which is neutral and non-polar, at codon 2474 of the FLNC protein (p.Gly2474Val).

Blueprint Genetics
Classification: Uncertain significance. Last evaluated: 2023-02-22. Review status: criteria provided, single submitter. Criteria: ACMG Guidelines, 2015. Collection method: clinical testing. Allele origin: germline.